The following is an entry in ClinVar:

NM_001267550.2(TTN):c.95415_95416+2del

Genes: TTN (titin; minus strand), TTN-AS1 (TTN antisense RNA 1; plus strand). Cytogenetic location: 2q31.2.
Variant type: Deletion.
Coding change: c.95415_95416+2del on transcript NM_001267550.2 (MANE Select); coding-DNA position 95415 through the canonical splice donor site of the intron after coding-DNA position 95416, 4 bases deleted (CAGT; older notation c.95415_95416+2delCAGT).
Molecular consequence: splice donor variant.
Genome position (GRCh38, 1-based): chr2:178,545,818-178,545,821, ACTG deleted on the plus strand (CAGT on the coding strand, the reverse complement: TTN is on the minus strand); deleting any 4 consecutive bases within chr2:178,545,818-178,545,822 gives the same sequence; the c. name uses the placement nearest the transcript's 3' end. VCF-style (leftmost placement, unchanged base first): chr2-178545817-TACTG-T. GRCh37 (hg19) VCF-style: chr2-179410544-TACTG-T.
Other names: c.68220_68221+2del (NM_003319.4); c.68796_68797+2del (NM_133437.4); c.68595_68596+2del (NM_133432.3); c.87711_87712+2del (NM_133378.4); c.90492_90493+2del (NM_001256850.1); c.90492_90493+2delCAGT (NM_001256850.1); c.95415_95416+2delCAGT (LRG_391t1); c.68220_68221+2delCAGT (NM_003319.4).
Identifiers: ClinVar variation 223302 (VCV000223302.17), dbSNP rs769407533, ClinGen allele CA351239.
Genomic context (GRCh38, chr2:178,545,817, plus strand): 5'-CCCTTCTCCCCCTGATTCTATTACATTTCAACTGTCAAATTATTTAAAAGTGTTAATACT[TACTG>T]AATGAGTTTCTGGCTACAATTGGCTCTGATTCAACAGGCACACCAGGGCCATATTTGTTT-3'

ClinVar aggregate classification (germline): Conflicting classifications of pathogenicity. Review status: criteria provided, conflicting classifications (1 of 4 stars). 4 submissions from 4 submitters: Likely pathogenic (3); Uncertain significance (1). Last evaluated 2026-07-27.

Conditions:
Cardiovascular phenotype. Identifiers: MedGen CN230736.
Dilated cardiomyopathy 1G (CMD1G). Identifiers: Orphanet 154, MedGen C1858763, MONDO:0011400, OMIM 604145.
Autosomal recessive limb-girdle muscular dystrophy type 2J (LGMDR10). Also called: MUSCULAR DYSTROPHY, LIMB-GIRDLE, AUTOSOMAL RECESSIVE 10; Limb-girdle muscular dystrophy, type 2J. Identifiers: Orphanet 140922, MedGen C1837342, MONDO:0012127, OMIM 608807.
Primary dilated cardiomyopathy (DCM). Also called: Dilated Cardiomyopathy. Identifiers: Orphanet 217604, MedGen C0007193, MeSH D002311, MONDO:0005021, HP:0001644. Inheritance: Various modes of inheritance.

Submissions (4):

GeneDx
Classification: Likely pathogenic. Last evaluated: 2026-07-27. Review status: criteria provided, single submitter. Criteria: GeneDx Variant Classification Process June 2021. Collection method: clinical testing. Allele origin: germline.
Comment: Canonical splice site variant predicted to result in an in-frame loss of the adjacent exon in a gene for which loss of function is a known mechanism of disease; Not observed at significant frequency in large population cohorts (gnomAD); Also known as c.95415_95416+2delCAGT and c.90492_90493+2delCAGT; Identified in patients with DCM referred for genetic testing at GeneDx and in published literature (PMID: 40155426, 25589632); This variant is associated with the following publications: (PMID: 35177841, 31691645, 22335739, 32778822, 40155426, 25589632)

Ambry Genetics
Classification: Uncertain significance for Cardiovascular phenotype. Last evaluated: 2024-12-19. Review status: criteria provided, single submitter. Criteria: Ambry Variant Classification Scheme 2023. Collection method: clinical testing. Allele origin: germline.
Comment: The c.68220_68221+2delCAGT variant results from a deletion of 4 nucleotides between positions c.68220 and c.68221+2 and involves the canonical splice donor site after coding exon 170 of the TTN gene. Coding exon 170 is located in the A-band region of the N2-B isoform of the titin protein and is constitutively expressed in TTN transcripts (percent spliced in or PSI 100%). This variant (referred to as NM_001267550.1:c.95415_95416+2delCAGT) was reported in individual(s) with features consistent with dilated cardiomyopathy (Roberts AM et al. Sci Transl Med. 2015 Jan;7(270):270ra6). The canonical splice donor site is highly conserved in available vertebrate species. In silico splice site analysis predicts that this alteration will weaken the native splice donor site and may result in the creation or strengthening of a novel splice donor site. The resulting transcript is predicted to be in-frame and is not expected to trigger nonsense-mediated mRNA decay. The exact functional effect of the missing amino acids is unknown. Based on the available evidence, the clinical significance of this variant remains unclear.

Labcorp Genetics (formerly Invitae), Labcorp
Classification: Likely pathogenic for Dilated cardiomyopathy 1G; Autosomal recessive limb-girdle muscular dystrophy type 2J. Last evaluated: 2024-07-03. Review status: criteria provided, single submitter. Criteria: Invitae Variant Classification Sherloc (09022015). Collection method: clinical testing. Allele origin: germline.
Comment: This variant results in the deletion of part of exon 343 (c.95415_95416+2del) of the TTN gene. It is expected to disrupt RNA splicing and likely results in a truncated or disrupted TTN protein. This variant is not present in population databases (gnomAD no frequency). This variant has been observed in individual(s) with dilated cardiomyopathy (PMID: 25589632). ClinVar contains an entry for this variant (Variation ID: 223302). This variant is located in the A band of TTN (PMID: 25589632). Truncating variants in this region are significantly overrepresented in patients affected with dilated cardiomyopathy (PMID: 25589632). Truncating variants in this region have also been reported in individuals affected with autosomal recessive centronuclear myopathy (PMID: 23975875). In summary, the currently available evidence indicates that the variant is pathogenic, but additional data are needed to prove that conclusively. Therefore, this variant has been classified as Likely Pathogenic.

Cardiovascular Biomedical Research Unit, Royal Brompton & Harefield NHS Foundation Trust
Classification: Likely pathogenic for Primary dilated cardiomyopathy. Last evaluated: 2014-10-08. Review status: criteria provided, single submitter. Criteria: Roberts et al. 2015. Collection method: research. Allele origin: germline. Inheritance: Autosomal dominant inheritance. Affected: yes. Observed: 1 variant allele. Study: Unselected DCM.
Comment: In the seven cohorts assessed, TTNtv were found in 14% of ambulant DCM, 22% end-stage or familial DCM, and 2% controls. Heterozygous nonsense, frameshift and canonical splice-disrupting variants found in constitutive and other highly utilised exons are highly likely to be pathogenic when identified in individuals with phenotypically confirmed DCM. TTNtv found incidentally in healthy individuals (excluding familial assessment of DCM relatives) are thought to have low penetrance, particularly when identified in exons that are not constitutively expressed in the heart.

Literature cited by the submitters: PubMed 25589632 (cited by Ambry Genetics and Labcorp Genetics (formerly Invitae), Labcorp); PubMed 23975875 (cited by Labcorp Genetics (formerly Invitae), Labcorp).